The following is an entry in ClinVar:

ClinVar aggregate classification (germline): Benign/Likely benign. Review status: criteria provided, multiple submitters, no conflicts (2 of 4 stars). 21 submissions from 21 submitters: Benign (17); Likely benign (1). 3 of the submissions do not count toward it. Last evaluated 2026-02-04.

Conditions:
Renal cell carcinoma. Identifiers: Orphanet 217071, MedGen C0007134, MeSH D002292, MONDO:0005086, HP:0005584.
Papillary renal cell carcinoma type 1 (RCCP1). Also called: RENAL CELL CARCINOMA, PAPILLARY, 1, SOMATIC; Renal adenocarcinoma; Renal cell carcinoma 1; Renal cell carcinoma, somatic. Identifiers: Orphanet 47044, MedGen C1336839, OMIM 605074, HP:0011797.
Autosomal recessive nonsyndromic hearing loss 97. Also called: Deafness, autosomal recessive 97. Identifiers: Orphanet 90636, MedGen C4084709, MONDO:0014739, OMIM 616705.
Osteofibrous dysplasia (OSFD). Also called: Tibia, bowing of, with pseudarthrosis and pectus excavatum. Identifiers: Orphanet 488265, MedGen C4085248, MONDO:0011806, OMIM 607278.
Arthrogryposis, distal, IIa 11. Also called: Arthrogryposis, distal, type 11. Identifiers: MedGen C5774205, MONDO:0031045, OMIM 620019.
Hepatocellular carcinoma (HCC). Also called: Primary carcinoma of liver; HEPATOMA; LIVER CELL CARCINOMA. Identifiers: Orphanet 88673, MedGen C2239176, MONDO:0007256, OMIM 114550, HP:0001402.
Hereditary cancer-predisposing syndrome. Also called: Neoplastic Syndromes, Hereditary; Hereditary Cancer Syndrome; Tumor predisposition; Hereditary neoplastic syndrome. Identifiers: Orphanet 140162, MedGen C0027672, MeSH D009386, MONDO:0015356.

Allele frequency attached by ClinVar (database versions not stated): 1000 Genomes Project 0.01538; 1000 Genomes Project 30x 0.01593; gnomAD 0.03282 and 0.03399; ExAC 0.03298; gnomAD exomes 0.03321 and 0.04727; TOPMed 0.03495; ESP Exome Variant Server 0.03539.
gnomAD v4.1: 73,654 of 1,613,846 alleles (4.6%); highest among the groups gnomAD compares: Non-Finnish European, 5.6%; 1,985 homozygotes.

Submissions 1 to 21 of 45:

Labcorp Genetics (formerly Invitae), Labcorp
Classification: Benign for Renal cell carcinoma. Last evaluated: 2026-02-04. Review status: criteria provided, single submitter. Criteria: Invitae Variant Classification Sherloc (09022015). Collection method: clinical testing. Allele origin: germline.

ARUP Laboratories, Molecular Genetics and Genomics, ARUP Laboratories
Classification: Benign. Last evaluated: 2025-05-06. Review status: criteria provided, single submitter. Criteria: ARUP Molecular Germline Variant Investigation Process 2024. Collection method: clinical testing. Allele origin: germline.

Hereditary Cancer Laboratory, Hospital Universitario 12 de Octubre
Classification: Benign for Hereditary cancer-predisposing syndrome. Last evaluated: 2025-03-18. Review status: criteria provided, single submitter. Criteria: ACMG Guidelines, 2015. Collection method: clinical testing. Allele origin: germline.
Comment: BA1+BS2+BP4+BP6+BP7

Center for Genomic Medicine, Rigshospitalet, Copenhagen University Hospital
Classification: Benign. Last evaluated: 2025-03-04. Review status: criteria provided, single submitter. Criteria: ACMG Guidelines, 2015. Collection method: clinical testing. Allele origin: germline.

Blueprint Genetics
Classification: Likely benign. Last evaluated: 2024-11-27. Review status: criteria provided, single submitter. Criteria: ACMG Guidelines, 2015. Collection method: clinical testing. Allele origin: germline.

Myriad Genetics, Inc.
Classification: Benign for Papillary renal cell carcinoma type 1. Last evaluated: 2024-11-06. Review status: criteria provided, single submitter. Criteria: Myriad Autosomal Dominant, Autosomal Recessive and X-Linked Classification Criteria (2023). Collection method: clinical testing. Allele origin: unknown.
Comment: This variant is considered benign. This variant is a silent/synonymous amino acid change and it is not expected to impact splicing. This variant has been observed at a population frequency that is significantly greater than expected given the associated disease prevalence and penetrance.

Molecular Diagnostics Laboratory, Catalan Institute of Oncology
Classification: Benign for Hereditary cancer-predisposing syndrome. Last evaluated: 2024-11-03. Review status: criteria provided, single submitter. Criteria: ACMG Guidelines, 2015. Collection method: clinical testing. Allele origin: germline.
Comment: BA1, BS2_Supporting, BP4, BP7 c.144G>A, located in exon 2 of the MET gene, is predicted to result in no amino acid change, p.(Ala48=) (BP7). The variant allele was found in 8553/266234, with a filtering allele frequency of 0,050% at 99% confidence within the non-Finnish European population and has been observed in homozygous state in 210 control chromosomes in the gnomAD v2.1.1 database (non-cancer data set) (BA1 and BS2_supp). The SpliceAI algorithm predicts no significant impact on splicing (BP4). To our knowledge, no well-established functional studies have been reported for this variant. This variant has an ambiguous association with the risk of recurrence of clear cell and papillary renal cell cancer (PMID: 28358873, 23219378, 26505625). It has been reported in the ClinVar database (15x benign) and in the LOVD database (3x benign and 1x likely benign). Based on currently available information, variant c.144G>A should be considered a benign variant.

KCCC/NGS Laboratory, Kuwait Cancer Control Center
Classification: Benign for Papillary renal cell carcinoma type 1. Last evaluated: 2023-07-07. Review status: criteria provided, single submitter. Criteria: ACMG Guidelines, 2015. Collection method: clinical testing. Allele origin: germline. Affected: yes.

Mayo Clinic Laboratories, Mayo Clinic
Classification: Benign. Last evaluated: 2022-03-10. Review status: criteria provided, single submitter. Criteria: ACMG Guidelines, 2015. Collection method: clinical testing. Allele origin: germline. Observed: 38 variant alleles.

Department of Pathology and Laboratory Medicine, Sinai Health System
Classification: Benign for Hepatocellular carcinoma; Papillary renal cell carcinoma type 1; Osteofibrous dysplasia; Autosomal recessive nonsyndromic hearing loss 97; Arthrogryposis, distal, IIa 11. Last evaluated: 2021-06-08. Review status: criteria provided, single submitter. Criteria: ACMG Guidelines, 2015. Collection method: clinical testing. Allele origin: germline. Affected: yes.

Athena Diagnostics
Classification: Benign. Last evaluated: 2018-08-30. Review status: criteria provided, single submitter. Criteria: Athena Diagnostics Criteria. Collection method: clinical testing. Allele origin: germline.

Illumina Laboratory Services, Illumina
Classification: Benign for Papillary renal cell carcinoma type 1. Last evaluated: 2018-01-13. Review status: criteria provided, single submitter. Criteria: ICSL Variant Classification Criteria 13 December 2019. Collection method: clinical testing. Allele origin: germline.
Comment: This variant was observed in the ICSL laboratory as part of a predisposition screen in an ostensibly healthy population. It had not been previously curated by ICSL or reported in the Human Gene Mutation Database (HGMD: prior to June 1st, 2018), and was therefore a candidate for classification through an automated scoring system. Utilizing variant allele frequency, disease prevalence and penetrance estimates, and inheritance mode, an automated score was calculated to assess if this variant is too frequent to cause the disease. Based on the score and internal cut-off values, a variant classified as benign is not then subjected to further curation. The score for this variant resulted in a classification of benign for this disease.

GeneDx
Classification: Benign. Last evaluated: 2017-02-17. Review status: criteria provided, single submitter. Criteria: GeneDx Variant Classification (06012015). Collection method: clinical testing. Allele origin: germline. Affected: yes.
Comment: This variant is considered likely benign or benign based on one or more of the following criteria: it is a conservative change, it occurs at a poorly conserved position in the protein, it is predicted to be benign by multiple in silico algorithms, and/or has population frequency not consistent with disease.

Women's Health and Genetics/Laboratory Corporation of America, LabCorp
Classification: Benign. Last evaluated: 2016-08-18. Review status: criteria provided, single submitter. Criteria: LabCorp Variant Classification Summary - May 2015. Collection method: clinical testing. Allele origin: germline.
Comment: Variant summary: The MET c.144G>A (p.Ala48Ala) variant causes a synonymous change involving a non-conserved nucleotide. The variant of interest was observed in the large, broad control population, ExAC, with an allele frequency of 3980/120670 (1/30, 106 homozygotes), which significantly exceeds the estimated maximal expected allele frequency for a pathogenic MET variant of 1/666666, suggesting this variant is likely a benign polymorphism. Multiple reputable clinical laboratories cite the variant as "benign." Therefore, the variant has been classified as Benign.

Ambry Genetics
Classification: Benign for Hereditary cancer-predisposing syndrome. Last evaluated: 2014-11-19. Review status: criteria provided, single submitter. Criteria: Ambry Variant Classification Scheme 2023. Collection method: clinical testing. Allele origin: germline.

Eurofins Ntd Llc (ga)
Classification: Benign. Last evaluated: 2012-11-06. Review status: criteria provided, single submitter. Criteria: EGL Classification Definitions 2015. Collection method: clinical testing. Allele origin: germline. Observed: 5 variant alleles, 5 heterozygotes.

Breakthrough Genomics
Classification: Benign. Review status: criteria provided, single submitter. Criteria: ACMG Guidelines, 2015. Collection method: not provided. Allele origin: germline. Inheritance: Autosomal recessive inheritance. Affected: yes.

PreventionGenetics, part of Exact Sciences
Classification: Benign. Review status: criteria provided, single submitter. Criteria: ACMG Guidelines, 2015. Collection method: clinical testing. Allele origin: germline.

Clinical Genetics, Academic Medical Center
Classification: Benign. Review status: no assertion criteria provided. Collection method: clinical testing. Allele origin: germline. Affected: yes. Study: VKGL Data-share Consensus. Not counted in ClinVar's aggregate classification.

Dr. Peter K. Rogan Lab, Western University
No classification provided (evidence only). Condition: Colon adenocarcinoma. Review status: no classification provided. Collection method: in vitro. Allele origin: not applicable. Functional consequence: skipped exon. Not counted in ClinVar's aggregate classification.

Dr. Peter K. Rogan Lab, Western University
No classification provided (evidence only). Condition: Colon adenocarcinoma. Review status: no classification provided. Collection method: in vitro. Allele origin: not applicable. Functional consequence: skipped exon, retained intron. Not counted in ClinVar's aggregate classification.

NM_000245.4(MET):c.144G>A (p.Ala48=)

Gene: MET (MET proto-oncogene, receptor tyrosine kinase; plus strand). Cytogenetic location: 7q31.2.
Variant type: single nucleotide variant.
Coding change: c.144G>A on transcript NM_000245.4 (MANE Select); coding-DNA position 144, G replaced by A.
Protein change: p.Ala48=; no amino-acid change (alanine 48 retained).
Molecular consequence: synonymous variant. On other transcripts: intron variant (1).
Genome position (GRCh38, 1-based): chr7:116,699,228, G>A. VCF-style: chr7-116699228-G-A. GRCh37 (hg19) VCF-style: chr7-116339282-G-A.
Other names: p.Ala48=; c.144G>A, p.Ala48= (NM_001127500.3, NM_001324401.3); c.-91+26651G>A (NM_001324402.2).
Identifiers: ClinVar variation 93567 (VCV000093567.52), dbSNP rs11762213, ClinGen allele CA147080.